The following is an entry in ClinVar:

ClinVar aggregate classification (germline): Uncertain significance (1 of 4 stars; one submission).

Allele frequency attached by ClinVar (database versions not stated): gnomAD exomes below 0.00001.
gnomAD v4.1: 1 of 1,533,590 alleles (0.000065%); highest among the groups gnomAD compares: Non-Finnish European, 0.000087%; no homozygotes.

Submission:

Labcorp Genetics (formerly Invitae), Labcorp
Classification: Uncertain significance. Last evaluated: 2022-02-04. Review status: criteria provided, single submitter. Criteria: Invitae Variant Classification Sherloc (09022015). Collection method: clinical testing. Allele origin: germline.
Comment: In summary, the available evidence is currently insufficient to determine the role of this variant in disease. Therefore, it has been classified as a Variant of Uncertain Significance. Algorithms developed to predict the effect of missense changes on protein structure and function are either unavailable or do not agree on the potential impact of this missense change (SIFT: "Deleterious"; PolyPhen-2: "Probably Damaging"; Align-GVGD: "Class C0"). This sequence change replaces glutamine, which is neutral and polar, with arginine, which is basic and polar, at codon 872 of the ARHGEF18 protein (p.Gln872Arg). This variant is not present in population databases (gnomAD no frequency). This variant has not been reported in the literature in individuals affected with ARHGEF18-related conditions. ClinVar contains an entry for this variant (Variation ID: 1038028).

NM_001367823.1(ARHGEF18):c.3179A>G (p.Gln1060Arg)

Gene: ARHGEF18 (Rho/Rac guanine nucleotide exchange factor 18; plus strand). Cytogenetic location: 19p13.2.
Variant type: single nucleotide variant.
Coding change: c.3179A>G on transcript NM_001367823.1 (MANE Select); coding-DNA position 3179, A replaced by G.
Protein change: p.Gln1060Arg; replaces glutamine 1060 with arginine.
Molecular consequence: missense variant.
Genome position (GRCh38, 1-based): chr19:7,467,383, A>G. VCF-style: chr19-7467383-A-G. GRCh37 (hg19) VCF-style: chr19-7532269-A-G.
Other names: c.2453A>G, p.Gln818Arg (NM_001130955.2); c.2141A>G, p.Gln714Arg (NM_001367824.1, NM_015318.4); short protein forms Q714R, Q1060R, Q818R.
Identifiers: ClinVar variation 1038028 (VCV001038028.8), dbSNP rs1331792375, ClinGen allele CA403087655.